The following is an entry in ClinVar:

ClinVar aggregate classification (germline): Uncertain significance (1 of 4 stars; one submission).

Conditions:
Dilated cardiomyopathy 1G (CMD1G). Identifiers: Orphanet 154, MedGen C1858763, MONDO:0011400, OMIM 604145.
Autosomal recessive limb-girdle muscular dystrophy type 2J (LGMDR10). Also called: MUSCULAR DYSTROPHY, LIMB-GIRDLE, AUTOSOMAL RECESSIVE 10; Limb-girdle muscular dystrophy, type 2J. Identifiers: Orphanet 140922, MedGen C1837342, MONDO:0012127, OMIM 608807.

Submission:

Labcorp Genetics (formerly Invitae), Labcorp
Classification: Uncertain significance for Dilated cardiomyopathy 1G; Limb-girdle muscular dystrophy, type 2J. Last evaluated: 2018-11-02. Review status: criteria provided, single submitter. Criteria: Invitae Variant Classification Sherloc (09022015). Collection method: clinical testing. Allele origin: germline.
Comment: This variant results in a copy number gain of the genomic region encompassing exons 50-120 of the TTN gene. While the exact position of this variant cannot be determined from this data, sub-genic copy number gains are generally in tandem (PMID: 25640679). This variant would be expected to be in-frame, preserving the integrity of the reading frame. This variant has not been reported in the literature in individuals with TTN-related disease. This variant identified in the TTN gene is located in the I band of the resulting protein (PMID: 25589632). It is unclear how this variant impacts the function of this protein. Experimental studies and prediction algorithms are not available for this variant, and the functional significance of the affected amino acid(s) is currently unknown. In summary, the available evidence is currently insufficient to determine the role of this variant in disease. Therefore, it has been classified as a Variant of Uncertain Significance.

Literature cited by the submitters: PubMed 25589632.

NC_000002.11:g.(?_179557214)_(179600811_?)dup

Genes: TTN (titin; minus strand), LOC126806431 (CDK7 strongly-dependent group 2 enhancer GRCh37_chr2:179595719-179596918; plus strand), LOC126806430 (BRD4-independent group 4 enhancer GRCh37_chr2:179593794-179594993; plus strand), LOC126806429 (BRD4-independent group 4 enhancer GRCh37_chr2:179591393-179592592; plus strand), LOC126806428 (BRD4-independent group 4 enhancer GRCh37_chr2:179588362-179589561; plus strand). Cytogenetic location: 2q31.2.
Variant type: Duplication.
Identifiers: ClinVar variation 666219 (VCV000666219.2).